The following continues an entry in ClinVar:

NM_001079866.2(BCS1L):c.166C>T (p.Arg56Ter)

Gene: BCS1L. ClinVar aggregate classification (germline): Pathogenic. Pathogenic (24).

Submissions 14 to 25 of 25:

Victorian Clinical Genetics Services, Murdoch Childrens Research Institute
Classification: Pathogenic for Mitochondrial complex III deficiency nuclear type 1. Last evaluated: 2022-02-02. Review status: criteria provided, single submitter. Criteria: ACMG Guidelines, 2015. Collection method: clinical testing. Allele origin: germline. Inheritance: Autosomal recessive inheritance. Affected: yes.
Comment: Based on the classification scheme VCGS_Germline_v1.3.4, this variant is classified as Pathogenic. Following criteria are met: 0102 - Loss of function is a known mechanism of disease in this gene and is associated with Bjornstad syndrome (MIM#262000), GRACILE syndrome (MIM#603358) and mitochondrial complex III deficiency, nuclear type (MIM#1124000). (I) 0106 - This gene is associated with autosomal recessive disease. (I) 0201 - Variant is predicted to cause nonsense-mediated decay (NMD) and loss of protein (premature termination codon is located at least 54 nucleotides upstream of the final exon-exon junction). (SP) 0251 - This variant is heterozygous. (I) 0304 - Variant is present in gnomAD (v2) <0.01 for a recessive condition (46 heterozygotes, 0 homozygotes). (SP) 0701 - Other NMD-predicted variants comparable to the one identified in this case have very strong previous evidence for pathogenicity (DECIPHER). (SP) 0801 - This variant has strong previous evidence of pathogenicity in unrelated individuals. This variant has been reported as pathogenic in a compound heterozygous state in multiple individuals with mitochondrial complex III deficiency or GRACILE syndrome (ClinVar, PMID: 19508421, PMID: 12215968). (SP) 1208 - Inheritance information for this variant is not currently available in this individual. (I) Legend: (SP) - Supporting pathogenic, (I) - Information, (SB) - Supporting benign

Laboratorio de Genetica e Diagnostico Molecular, Hospital Israelita Albert Einstein
Classification: Pathogenic for Mitochondrial complex III deficiency nuclear type 1. Last evaluated: 2022-01-28. Review status: criteria provided, single submitter. Criteria: ACMG Guidelines, 2015. Collection method: clinical testing. Allele origin: germline. Affected: yes.
Comment: ACMG classification criteria: PVS1 very strong, PM2 moderate, PM3 strong, PM3 moderate, PP1 supporting

Institute for Clinical Genetics, University Hospital TU Dresden, University Hospital TU Dresden
Classification: Pathogenic. Last evaluated: 2021-11-03. Review status: criteria provided, single submitter. Criteria: ACMG Guidelines, 2015. Collection method: clinical testing. Allele origin: germline.

Myriad Genetics, Inc.
Classification: Pathogenic for GRACILE syndrome. Last evaluated: 2020-01-06. Review status: criteria provided, single submitter. Criteria: Myriad Women's Health Autosomal Recessive and X-Linked Classification Criteria (2019). Collection method: clinical testing. Allele origin: unknown.
Comment: NM_004328.4(BCS1L):c.166C>T(R56*) is classified as pathogenic in the context of BCS1L-related disorders. Sources cited for classification include the following: PMID 12910490, 12215968, 22277166 and 20518024. Classification of NM_004328.4(BCS1L):c.166C>T(R56*) is based on the following criteria: The variant causes a premature termination codon that is expected to be targeted by nonsense-mediated mRNA decay and is reported in individuals with the relevant phenotype. Please note: this variant was assessed in the context of healthy population screening.

Genomic Medicine Lab, University of California San Francisco
Classification: Pathogenic for Mitochondrial complex III deficiency nuclear type 1. Last evaluated: 2019-12-12. Review status: criteria provided, single submitter. Criteria: ACMG Guidelines, 2015. Collection method: clinical testing. Allele origin: maternal. Inheritance: Autosomal recessive inheritance. Affected: yes. Study: CSER-P3EGS.

Fulgent Genetics
Classification: Pathogenic for Mitochondrial complex III deficiency nuclear type 1; Leigh syndrome; Pili torti-deafness syndrome; GRACILE syndrome. Last evaluated: 2018-10-31. Review status: criteria provided, single submitter. Criteria: ACMG Guidelines, 2015. Collection method: clinical testing. Allele origin: unknown.

Eurofins Ntd Llc (ga)
Classification: Pathogenic. Last evaluated: 2018-01-30. Review status: criteria provided, single submitter. Criteria: EGL Classification Definitions 2015. Collection method: clinical testing. Allele origin: germline. Observed: 1 variant allele, 1 heterozygote.

Illumina Laboratory Services, Illumina
Classification: Pathogenic for BCS1L-Related Disorders. Last evaluated: 2017-04-27. Review status: criteria provided, single submitter. Criteria: ICSL Variant Classification Criteria 09 May 2019. Collection method: clinical testing. Allele origin: germline.
Comment: The BCS1L c.166C>T (p.Arg56Ter) variant is a stop-gained variant which is predicted to truncate the protein. The p.Arg56Ter variant has been reported in at least five studies in a total of six individuals with mitochondrial respiratory chain complex III deficiency or GRACILE syndrome, including an affected sibling pair, in a compound heterozygous state (Visapaa et al. 2002; De Meirleir et al. 2003; Gil-Borlado et al. 2009; Ramos-Arroyo et al. 2009; Lynn et al. 2012). The variant was also found in a heterozygous state in an unaffected parent of the affected sibling pair who exhibited isolated biochemical complex III deficiency in the liver (De Meirleir et al. 2003). The p.Arg56Ter variant was absent from 400 controls, and is reported at a frequency of 0.00069 in the Latino population of the Exome Aggregation Consortium. Based on the evidence from the literature and the potential impact of stop-gained variants, the p.Arg56Ter variant is classified as pathogenic for BCS1L-related disorders. This variant was observed by ICSL as part of a predisposition screen in an ostensibly healthy population.

Center for Pediatric Genomic Medicine, Children's Mercy Hospital and Clinics
Classification: Pathogenic. Last evaluated: 2017-02-07. Review status: criteria provided, single submitter. Criteria: ACMG Guidelines, 2015. Collection method: clinical testing. Allele origin: germline.

Women's Health and Genetics/Laboratory Corporation of America, LabCorp
Classification: Pathogenic for GRACILE syndrome. Last evaluated: 2016-07-22. Review status: criteria provided, single submitter. Criteria: LabCorp Variant Classification Summary - May 2015. Collection method: clinical testing. Allele origin: germline.
Comment: Variant summary: The BCS1L c.166C>T (p.Arg56X) variant results in a premature termination codon, predicted to cause a truncated or absent BCS1L protein due to nonsense mediated decay (NMD), which are commonly known mechanisms for disease. The variant is predicted to truncate N-terminal, P-loop and ATPase domains. Truncations downstream of this position (e.g. p.R186* and p.R291*, etc.) have been have been reported in patients with BCS1L-linked phenotypes in literature. Functional study shows that this variant drastically reduces the expression of mRNA (Gil-Borlado_2009). This variant was found in 23/122068 control chromosomes at a frequency of 0.0001884, which does not exceed the estimated maximal expected allele frequency of a pathogenic BCS1L variant (0.0025). This variant is found in several families/patients with complex III deficiency in compound heterozygous with other missense or promoter mutations. Multiple clinical diagnostic laboratories/reputable databases have classified this variant as pathogenic. Taken together, this variant is classified as Pathogenic.

Courtagen Diagnostics Laboratory, Courtagen Life Sciences
Classification: Pathogenic for Mitochondrial complex III deficiency, nuclear type 1. Last evaluated: 2015-03-05. Review status: criteria provided, single submitter. Criteria: Courtagen Life Sciences Classifications. Collection method: clinical testing. Allele origin: paternal.

OMIM
Classification: Pathogenic for MITOCHONDRIAL COMPLEX III DEFICIENCY, NUCLEAR TYPE 1. Last evaluated: 2003-08-30. Review status: no assertion criteria provided. Collection method: literature only. Allele origin: germline. Not counted in ClinVar's aggregate classification.

Literature cited by the submitters: PubMed 12215968 (cited by 8 submitters); PubMed 17314340 (cited by Labcorp Genetics (formerly Invitae), Labcorp); PubMed 19162478 (cited by Labcorp Genetics (formerly Invitae), Labcorp); PubMed 19508421 (cited by 4 submitters); PubMed 22277166 (cited by 6 submitters); PubMed 25895478 (cited by Labcorp Genetics (formerly Invitae), Labcorp); PubMed 12910490 (cited by 7 submitters); PubMed 19389488 (cited by 3 submitters); PubMed 20518024 (cited by Mayo Clinic Laboratories, Mayo Clinic and Myriad Genetics, Inc.); PubMed 26990548 (cited by Mayo Clinic Laboratories, Mayo Clinic); PubMed 28128857 (cited by Mayo Clinic Laboratories, Mayo Clinic); PubMed 28496993 (cited by Mayo Clinic Laboratories, Mayo Clinic); PubMed 30634555 (cited by Mayo Clinic Laboratories, Mayo Clinic); PubMed 31435670 (cited by Mayo Clinic Laboratories, Mayo Clinic); PubMed 25914718 (cited by OLLIN Analises Genomicas, OLLIN).